The following is an entry in ClinVar:

ClinVar aggregate classification (germline): Uncertain significance (1 of 4 stars; one submission).

Conditions:
Saldino-Mainzer syndrome (SRTD9). Also called: CONORENAL SYNDROME; Renal dysplasia, retinal pigmentary dystrophy, cerebellar ataxia and skeletal dysplasia; SHORT-RIB THORACIC DYSPLASIA 9 WITHOUT POLYDACTYLY; short-rib thoracic dysplasia 9 with or without polydactyly. Identifiers: Orphanet 140969, MedGen C1849437, MONDO:0009964, OMIM 266920.

Allele frequency attached by ClinVar (database versions not stated): gnomAD exomes below 0.00001.
gnomAD v4.1: 2 of 1,614,070 alleles (0.00012%); highest among the groups gnomAD compares: Admixed American, 0.0033%; no homozygotes.

Submission:

Labcorp Genetics (formerly Invitae), Labcorp
Classification: Uncertain significance for Saldino-Mainzer syndrome. Last evaluated: 2022-11-28. Review status: criteria provided, single submitter. Criteria: Invitae Variant Classification Sherloc (09022015). Collection method: clinical testing. Allele origin: germline.
Comment: In summary, the available evidence is currently insufficient to determine the role of this variant in disease. Therefore, it has been classified as a Variant of Uncertain Significance. Algorithms developed to predict the effect of missense changes on protein structure and function (SIFT, PolyPhen-2, Align-GVGD) all suggest that this variant is likely to be tolerated. ClinVar contains an entry for this variant (Variation ID: 1416304). This variant has not been reported in the literature in individuals affected with IFT140-related conditions. This variant is present in population databases (no rsID available, gnomAD 0.003%). This sequence change replaces proline, which is neutral and non-polar, with serine, which is neutral and polar, at codon 734 of the IFT140 protein (p.Pro734Ser).

NM_014714.4(IFT140):c.2200C>T (p.Pro734Ser)

Gene: IFT140 (intraflagellar transport 140; minus strand). Cytogenetic location: 16p13.3.
Variant type: single nucleotide variant.
Coding change: c.2200C>T on transcript NM_014714.4 (MANE Select); coding-DNA position 2200, C replaced by T.
Protein change: p.Pro734Ser; replaces proline 734 with serine.
Molecular consequence: missense variant.
Genome position (GRCh38, 1-based): chr16:1,558,134, G>A on the plus strand (C>T on the coding strand, the complement: IFT140 is on the minus strand). VCF-style: chr16-1558134-G-A. GRCh37 (hg19) VCF-style: chr16-1608135-G-A.
Other names: short protein forms P734S.
Identifiers: ClinVar variation 1416304 (VCV001416304.6), dbSNP rs1298153861, ClinGen allele CA394201392.